The following is an entry in ClinVar:

ClinVar aggregate classification (germline): Likely benign. Review status: criteria provided, multiple submitters, no conflicts (2 of 4 stars). 4 submissions from 4 submitters: Likely benign (4). Last evaluated 2024-03-08.

Allele frequency attached by ClinVar (database versions not stated): TOPMed 0.00002.
gnomAD v4.1: 53 of 1,608,186 alleles (0.0033%); highest among the groups gnomAD compares: Middle Eastern, 0.46%; 1 homozygote.

Submissions (4):

Blueprint Genetics
Classification: Likely benign. Last evaluated: 2024-03-08. Review status: criteria provided, single submitter. Criteria: ACMG Guidelines, 2015. Collection method: clinical testing. Allele origin: germline.

Labcorp Genetics (formerly Invitae), Labcorp
Classification: Likely benign. Last evaluated: 2018-06-06. Review status: criteria provided, single submitter. Criteria: Invitae Variant Classification Sherloc (09022015). Collection method: clinical testing. Allele origin: germline.

GeneDx
Classification: Likely benign. Last evaluated: 2018-04-30. Review status: criteria provided, single submitter. Criteria: GeneDx Variant Classification (06012015). Collection method: clinical testing. Allele origin: germline. Affected: yes.
Comment: This variant is considered likely benign or benign based on one or more of the following criteria: it is a conservative change, it occurs at a poorly conserved position in the protein, it is predicted to be benign by multiple in silico algorithms, and/or has population frequency not consistent with disease.

Breakthrough Genomics
Classification: Likely benign. Review status: criteria provided, single submitter. Criteria: ACMG Guidelines, 2015. Collection method: not provided. Allele origin: germline. Inheritance: Autosomal recessive inheritance. Affected: yes.

NM_004447.6(EPS8):c.599+7G>A

Gene: EPS8 (EGFR pathway substrate 8, signaling adaptor; minus strand). Cytogenetic location: 12p12.3.
Variant type: single nucleotide variant.
Coding change: c.599+7G>A on transcript NM_004447.6 (MANE Select); 7 bases into the intron after coding-DNA position 599, G replaced by A.
Molecular consequence: intron variant.
Genome position (GRCh38, 1-based): chr12:15,666,433, C>T on the plus strand (G>A on the coding strand, the complement: EPS8 is on the minus strand). VCF-style: chr12-15666433-C-T. GRCh37 (hg19) VCF-style: chr12-15819367-C-T.
Identifiers: ClinVar variation 682300 (VCV000682300.6), dbSNP rs765061390, ClinGen allele CA6467832.